The following is an entry in ClinVar:

ClinVar aggregate classification (germline): Conflicting classifications of pathogenicity. Review status: criteria provided, conflicting classifications (1 of 4 stars). 5 submissions from 5 submitters: Pathogenic (1); Likely pathogenic (1); Uncertain significance (1); Benign (1). 1 of the submissions does not count toward it. Last evaluated 2025-12-03.

Conditions:
Seckel syndrome 6 (SCKL6). Identifiers: MedGen C3553582, MONDO:0013871, OMIM 614728.

Allele frequency attached by ClinVar (database versions not stated): gnomAD 0.00002; TOPMed 0.00002.
gnomAD v4.1: 61 of 1,600,398 alleles (0.0038%); highest among the groups gnomAD compares: Non-Finnish European, 0.0045%; no homozygotes.

Submissions (6):

Labcorp Genetics (formerly Invitae), Labcorp
Classification: Likely pathogenic. Last evaluated: 2025-12-03. Review status: criteria provided, single submitter. Criteria: Invitae Variant Classification Sherloc (09022015). Collection method: clinical testing. Allele origin: germline.
Comment: This sequence change affects an acceptor splice site in intron 10 of the CEP63 gene. It is expected to disrupt RNA splicing. Variants that disrupt the donor or acceptor splice site typically lead to a loss of protein function (PMID: 16199547), and loss-of-function variants in CEP63 are known to be pathogenic (PMID: 21983783, 23936128, 26158450). This variant is present in population databases (rs752207334, gnomAD 0.005%). This variant has not been reported in the literature in individuals affected with CEP63-related conditions. ClinVar contains an entry for this variant (Variation ID: 210698). Algorithms developed to predict the effect of sequence changes on RNA splicing suggest that this variant may disrupt the consensus splice site. In summary, the currently available evidence indicates that the variant is pathogenic, but additional data are needed to prove that conclusively. Therefore, this variant has been classified as Likely Pathogenic.

Blueprint Genetics
Classification: Uncertain significance. Last evaluated: 2024-02-29. Review status: criteria provided, single submitter. Criteria: ACMG Guidelines, 2015. Collection method: clinical testing. Allele origin: germline.

Institute of Human Genetics, University of Leipzig Medical Center
Classification: Benign for Seckel syndrome 6. Last evaluated: 2019-01-01. Review status: criteria provided, single submitter. Criteria: ACMG Guidelines, 2015. Collection method: clinical testing. Allele origin: unknown. Affected: yes.

Genetic Services Laboratory, University of Chicago
Classification: Pathogenic for Seckel syndrome 6. Last evaluated: 2015-05-27. Review status: criteria provided, single submitter. Criteria: ACMG Guidelines, 2015. Collection method: clinical testing. Allele origin: germline. Affected: yes.

Dr. Peter K. Rogan Lab, Western University
No classification provided (evidence only). Condition: Familial cancer of breast. Review status: no classification provided. Collection method: in vitro. Allele origin: not applicable. Functional consequence: retained intron. Not counted in ClinVar's aggregate classification.

Service de Génétique Moléculaire, Hôpital Robert Debré
Classification: Pathogenic for Seckel syndrome 6. Review status: no assertion criteria provided. Collection method: clinical testing. Allele origin: unknown. Affected: yes. Not counted in ClinVar's aggregate classification.

Literature cited by the submitters: PubMed 16199547 (cited by Labcorp Genetics (formerly Invitae), Labcorp); PubMed 21983783 (cited by Labcorp Genetics (formerly Invitae), Labcorp); PubMed 23936128 (cited by Labcorp Genetics (formerly Invitae), Labcorp); PubMed 26158450 (cited by Labcorp Genetics (formerly Invitae), Labcorp).

NM_001353108.3(CEP63):c.1068-1G>A

Gene: CEP63 (centrosomal protein 63; plus strand). Cytogenetic location: 3q22.2.
Variant type: single nucleotide variant.
Coding change: c.1068-1G>A on transcript NM_001353108.3 (MANE Select); the canonical splice acceptor site of the intron before coding-DNA position 1068, G replaced by A.
Molecular consequence: splice acceptor variant.
Genome position (GRCh38, 1-based): chr3:134,549,061, G>A. VCF-style: chr3-134549061-G-A. GRCh37 (hg19) VCF-style: chr3-134267903-G-A.
Other names: NC_000003.11:g.134267903G>A; c.1068-1G>A (NM_001353113.1, NM_001353110.1, NM_001353117.2 and 4 more transcripts); c.930-1G>A (NM_001042384.2, NM_001353122.1, NM_001353109.1 and 6 more transcripts); c.957-1G>A (NM_001353118.1); c.567-1G>A (NM_001353126.2); c.846-1G>A (NM_001353125.2).
Identifiers: ClinVar variation 210698 (VCV000210698.12), dbSNP rs752207334, ClinGen allele CA209166.